The following is an entry in ClinVar:

NM_000038.6(APC):c.6628del (p.Ser2210fs)

Gene: APC (APC regulator of Wnt signaling pathway; plus strand). Cytogenetic location: 5q22.2.
Variant type: Deletion.
Coding change: c.6628del on transcript NM_000038.6 (MANE Select); coding-DNA position 6628, one base deleted (T; older notation c.6628delT).
Protein change: p.Ser2210fs; shifts the reading frame from serine 2210.
Molecular consequence: frameshift variant.
Genome position (GRCh38, 1-based): chr5:112,842,222, T deleted; the last of 3 consecutive T bases (chr5:112,842,220-112,842,222); deleting any one gives the same sequence. VCF-style (leftmost placement, unchanged base first): chr5-112842219-AT-A. GRCh37 (hg19) VCF-style: chr5-112177916-AT-A.
Other names: c.5476delT, p.Ser1826Glnfs (NM_001407471.1, NM_001407472.1); c.6628del, p.Ser2210fs (NM_001127510.3, NM_001354895.2); c.6574del, p.Ser2192fs (NM_001127511.3); c.6682del, p.Ser2228fs (NM_001354896.2); c.6658del, p.Ser2220fs (NM_001354897.2); c.6553del, p.Ser2185fs (NM_001354898.2); c.6544del, p.Ser2182fs (NM_001354899.2); c.6505del, p.Ser2169fs (NM_001354900.2); and 16 more; short protein forms S2169fs, S2182fs, S2050fs, S2084fs, S2228fs, S2119fs, S2151fs, S2192fs.
Identifiers: ClinVar variation 1754547 (VCV001754547.2), dbSNP rs2533729507, ClinGen allele CA2580072357.
Genomic context (GRCh38, chr5:112,842,219, plus strand): 5'-AAAGGAGGAAAAAAAGTTTATAAAAGTTTGATTACTGGAAAAGTTCGATCTAATTCAGAA[AT>A]TTCAGGCCAAATGAAACAGCCCCTTCAAGCAAACATGCCTTCAATCTCTCGAGGCAGGAC-3'

ClinVar aggregate classification (germline): Pathogenic (1 of 4 stars; one submission).

Conditions:
Hereditary cancer-predisposing syndrome. Also called: Neoplastic Syndromes, Hereditary; Tumor predisposition; Hereditary Cancer Syndrome; Hereditary neoplastic syndrome. Identifiers: Orphanet 140162, MedGen C0027672, MeSH D009386, MONDO:0015356.

Submission:

Ambry Genetics
Classification: Pathogenic for Hereditary cancer-predisposing syndrome. Last evaluated: 2020-07-31. Review status: criteria provided, single submitter. Criteria: Ambry Variant Classification Scheme 2023. Collection method: clinical testing. Allele origin: germline.
Comment: The c.6628delT pathogenic mutation, located in coding exon 15 of the APC gene, results from a deletion of one nucleotide at nucleotide position 6628, causing a translational frameshift with a predicted alternate stop codon (p.S2210Qfs*4). This alteration occurs at the 3' terminus of theAPC gene, is not expected to trigger nonsense-mediated mRNA decay, and only impacts the last 631 amino acids of the protein. However, premature stop codons are typically deleterious in nature, the impacted region is critical for protein function and a significant portion of the protein is affected (Ambry internal data). As such, this alteration is interpreted as a disease-causing mutation.